The following is an entry in ClinVar:

ClinVar aggregate classification (germline): Uncertain significance (1 of 4 stars; one submission).

Conditions:
Intellectual disability, X-linked 102 (MRXSSB). Also called: Intellectual developmental disorder, X-linked syndromic, Snijders Blok type. Identifiers: Orphanet 457260, MedGen C5393299, MONDO:0010497, OMIM 300958.

Submission:

Juno Genomics, Hangzhou Juno Genomics, Inc
Classification: Uncertain significance for Intellectual disability, X-linked 102. Review status: criteria provided, single submitter. Criteria: ACMG Guidelines, 2015. Collection method: clinical testing. Allele origin: germline.
Comment: Absent from controls (or at extremely low frequency if recessive) in Genome Aggregation Database.

NM_001356.5(DDX3X):c.112T>C (p.Tyr38His)

Gene: DDX3X (DEAD-box helicase 3 X-linked; plus strand). Cytogenetic location: Xp11.4.
Variant type: single nucleotide variant.
Coding change: c.112T>C on transcript NM_001356.5 (MANE Select); coding-DNA position 112, T replaced by C.
Protein change: p.Tyr38His; replaces tyrosine 38 with histidine.
Molecular consequence: missense variant. On other transcripts: 5 prime UTR variant (1), non-coding transcript variant (1), intron variant (1).
Genome position (GRCh38, 1-based): chrX:41,339,044, T>C. VCF-style: chrX-41339044-T-C. GRCh37 (hg19) VCF-style: chrX-41198297-T-C.
Other names: c.112T>C, p.Tyr38His (NM_001193416.3); c.-447T>C (NM_001363819.1); c.103+1579T>C (NM_001193417.3); short protein forms Y38H.
Identifiers: ClinVar variation 5007561 (VCV005007561.2).